The following is an entry in ClinVar:

ClinVar aggregate classification (germline): Uncertain significance (1 of 4 stars; one submission).

Conditions:
Familial thoracic aortic aneurysm and aortic dissection (TAAD). Also called: Thoracic aortic aneurysms and dissections. Identifiers: Orphanet 91387, MedGen C4707243, MONDO:0019625.

Submission:

All of Us Research Program, National Institutes of Health
Classification: Uncertain significance for Familial thoracic aortic aneurysm and aortic dissection. Last evaluated: 2024-01-03. Review status: criteria provided, single submitter. Criteria: ACMG Guidelines, 2015. Collection method: clinical testing. Allele origin: germline. Inheritance: Autosomal dominant inheritance. Observed: 1 variant allele, 1 heterozygote.
Comment: This missense variant replaces arginine with cysteine at codon 438 of the MYH11 protein. Computational prediction suggests that this variant may have deleterious impact on protein structure and function (internally defined REVEL score threshold >= 0.7, PMID: 27666373). To our knowledge, functional studies have not been reported for this variant. This variant has not been reported in individuals affected with MYH11-related disorders in the literature. This variant has not been identified in the general population by the Genome Aggregation Database (gnomAD). The available evidence is insufficient to determine the role of this variant in disease conclusively. Therefore, this variant is classified as a Variant of Uncertain Significance.

This study involves interpretation of variants in research participants for the purpose of population health screening. Participant phenotype was not available at the time of variant classification. Additional details can be found in publication PMID: 35346344, PMCID: PMC8962531

NM_002474.3(MYH11):c.1291C>T (p.Arg431Cys)

Gene: MYH11 (myosin heavy chain 11; minus strand). Cytogenetic location: 16p13.11.
Variant type: single nucleotide variant.
Coding change: c.1291C>T on transcript NM_002474.3 (MANE Select); coding-DNA position 1291, C replaced by T.
Protein change: p.Arg431Cys; replaces arginine 431 with cysteine.
Molecular consequence: missense variant.
Genome position (GRCh38, 1-based): chr16:15,759,686, G>A on the plus strand (C>T on the coding strand, the complement: MYH11 is on the minus strand). VCF-style: chr16-15759686-G-A. GRCh37 (hg19) VCF-style: chr16-15853543-G-A.
Other names: c.1312C>T, p.Arg438Cys (NM_001040113.2, NM_001040114.2); c.1291C>T, p.Arg431Cys (NM_022844.3); short protein forms R431C, R438C.
Identifiers: ClinVar variation 3075249 (VCV003075249.1), dbSNP rs2506400252, ClinGen allele CA394872587.